The following is an entry in ClinVar:

ClinVar aggregate classification (germline): Likely benign (1 of 4 stars; one submission).

Allele frequency attached by ClinVar (database versions not stated): gnomAD exomes 0.00003; ExAC 0.00006; gnomAD 0.00026.
gnomAD v4.1: 88 of 1,614,068 alleles (0.0055%); highest among the groups gnomAD compares: African/African-American, 0.11%; no homozygotes.

Submission:

CeGaT Center for Human Genetics Tuebingen
Classification: Likely benign. Last evaluated: 2023-04-01. Review status: criteria provided, single submitter. Criteria: CeGaT Center For Human Genetics Tuebingen Variant Classification Criteria Version 2. Collection method: clinical testing. Allele origin: germline. Affected: yes. Observed: 1 variant allele.
Comment: HNRNPUL2: BP4, BP7

NM_001079559.3(HNRNPUL2):c.1851A>G (p.Glu617=)

Genes: HNRNPUL2 (heterogeneous nuclear ribonucleoprotein U like 2; minus strand), HNRNPUL2-BSCL2 (HNRNPUL2-BSCL2 readthrough (NMD candidate); minus strand). Cytogenetic location: 11q12.3.
Variant type: single nucleotide variant.
Coding change: c.1851A>G on transcript NM_001079559.3 (MANE Select); coding-DNA position 1851, A replaced by G.
Protein change: p.Glu617=; no amino-acid change (glutamic acid 617 retained).
Molecular consequence: synonymous variant. On other transcripts: non-coding transcript variant (1).
Genome position (GRCh38, 1-based): chr11:62,717,119, T>C on the plus strand (A>G on the coding strand, the complement: HNRNPUL2 is on the minus strand). VCF-style: chr11-62717119-T-C. GRCh37 (hg19) VCF-style: chr11-62484591-T-C.
Identifiers: ClinVar variation 2641896 (VCV002641896.24), dbSNP rs371223625, ClinGen allele CA6053917.